The following is an entry in ClinVar:

ClinVar aggregate classification (germline): Uncertain significance (1 of 4 stars; one submission).

Conditions:
Hereditary factor VIII deficiency disease (HEMA). Also called: HEMOPHILIA, CLASSIC; AUTOSOMAL HEMOPHILIA A; Hemophilia A; Hemophilia A, congenital; HEM A; Factor 8 deficiency, congenital. Identifiers: Orphanet 98878, MedGen C0019069, MONDO:0010602, OMIM 306700.

Submission:

ARUP Laboratories, Molecular Genetics and Genomics, ARUP Laboratories
Classification: Uncertain significance for Hereditary factor VIII deficiency disease. Last evaluated: 2020-11-25. Review status: criteria provided, single submitter. Criteria: ARUP Molecular Germline Variant Investigation Process 2021. Collection method: clinical testing. Allele origin: germline.
Comment: The F8 c.944C>G; p.Ala315Gly variant, to our knowledge, is not reported in the medical literature or gene specific databases. This variant is also absent from general population databases (Exome Variant Server, Genome Aggregation Database), indicating it is not a common polymorphism. The alanine at codon 315 is highly conserved, and computational analyses predict that this variant is deleterious (REVEL: 0.840). Additionally, other amino acid substitutions at this codon (Ser, Thr, Val) have been reported in individuals with mild hemophilia A (see link to FVIII database, Markoff 2009). However, given the lack of clinical and functional data, the significance of the p.Ala315Gly variant is uncertain at this time. References: Link to FVIII database: Markoff A et al. Combined homology modelling and evolutionary significance evaluation of missense mutations in blood clotting factor VIII to highlight aspects of structure and function. Haemophilia. 2009 Jul;15(4):932-41.

NM_000132.4(F8):c.944C>G (p.Ala315Gly)

Gene: F8 (coagulation factor VIII; minus strand). Cytogenetic location: Xq28.
Variant type: single nucleotide variant.
Coding change: c.944C>G on transcript NM_000132.4 (MANE Select); coding-DNA position 944, C replaced by G.
Protein change: p.Ala315Gly; replaces alanine 315 with glycine.
Molecular consequence: missense variant.
Genome position (GRCh38, 1-based): chrX:154,969,396, G>C on the plus strand (C>G on the coding strand, the complement: F8 is on the minus strand). VCF-style: chrX-154969396-G-C. GRCh37 (hg19) VCF-style: chrX-154197671-G-C.
Other names: short protein forms A315G.
Identifiers: ClinVar variation 1331002 (VCV001331002.7), dbSNP rs2124109874, ClinGen allele CA414917817.